The following is an entry in ClinVar:

NM_001375567.1(FOCAD):c.4729-5_4729-4insTTTTTTTTTTTTTTTTTTTTTTTTT

Gene: FOCAD (focadhesin; plus strand). Cytogenetic location: 9p21.3.
Variant type: Insertion.
Coding change: c.4729-5_4729-4insTTTTTTTTTTTTTTTTTTTTTTTTT on transcript NM_001375567.1 (MANE Select); 5 bases into the intron before coding-DNA position 4729 through 4 bases into the intron before coding-DNA position 4729, TTTTTTTTTTTTTTTTTTTTTTTTT inserted.
Molecular consequence: intron variant.
Genome position: GRCh38 VCF-style: chr9-20986266-A-ATTTTTTTTTTTTTTTTTTTTTTTTT. GRCh37 (hg19) VCF-style: chr9-20986265-A-ATTTTTTTTTTTTTTTTTTTTTTTTT.
Other names: c.4729-5_4729-4insTTTTTTTTTTTTTTTTTTTTTTTTT (NM_017794.5); c.4624-5_4624-4insTTTTTTTTTTTTTTTTTTTTTTTTT (NM_001375568.1, NM_001375570.1).
Identifiers: ClinVar variation 2659115 (VCV002659115.24), dbSNP rs545976303, ClinGen allele CA1122104716.

ClinVar aggregate classification (germline): Likely benign (1 of 4 stars; one submission).

Submission:

CeGaT Center for Human Genetics Tuebingen
Classification: Likely benign. Last evaluated: 2024-11-01. Review status: criteria provided, single submitter. Criteria: CeGaT Center For Human Genetics Tuebingen Variant Classification Criteria Version 2. Collection method: clinical testing. Allele origin: germline. Affected: yes. Observed: 2 variant alleles.
Comment: FOCAD: BP4, BS1